The following is an entry in ClinVar:

ClinVar aggregate classification (germline): Uncertain significance (1 of 4 stars; one submission).

Submission:

GeneDx
Classification: Uncertain significance. Last evaluated: 2023-10-24. Review status: criteria provided, single submitter. Criteria: GeneDx Variant Classification Process June 2021. Collection method: clinical testing. Allele origin: germline.
Comment: Not observed at significant frequency in large population cohorts (gnomAD); In silico analysis supports that this missense variant has a deleterious effect on protein structure/function; Missense variants in this gene are a common cause of disease and they are underrepresented in the general population; Has not been previously published as pathogenic or benign to our knowledge; This variant is associated with the following publications: (PMID: 20829227)

NM_006086.4(TUBB3):c.205G>A (p.Glu69Lys)

Gene: TUBB3 (tubulin beta 3 class III; plus strand). Cytogenetic location: 16q24.3.
Variant type: single nucleotide variant.
Coding change: c.205G>A on transcript NM_006086.4 (MANE Select); coding-DNA position 205, G replaced by A.
Protein change: p.Glu69Lys; replaces glutamic acid 69 with lysine.
Molecular consequence: missense variant. On other transcripts: 5 prime UTR variant (1).
Genome position (GRCh38, 1-based): chr16:89,933,506, G>A. VCF-style: chr16-89933506-G-A. GRCh37 (hg19) VCF-style: chr16-89999914-G-A.
Other names: c.-12G>A (NM_001197181.2); short protein forms E69K.
Identifiers: ClinVar variation 1706150 (VCV001706150.3), dbSNP rs2544625618, ClinGen allele CA397471252.
Genomic context (GRCh38, chr16:89,933,506, plus strand): 5'-CCGAGCCCCTCTCTCCCCTCAGCTCACAAGTACGTGCCTCGAGCCATTCTGGTGGACCTG[G>A]AACCCGGAACCATGGACAGTGTCCGCTCAGGGGCCTTTGGACATCTCTTCAGGCCTGACA-3'
Protein context (NP_006077.2, residues 59-79): YVPRAILVDL[Glu69Lys]PGTMDSVRSG